The following continues an entry in ClinVar:

NM_001365536.1(SCN9A):c.3767A>G (p.Asn1256Ser)

ClinVar aggregate classification (germline): Conflicting classifications of pathogenicity. Uncertain significance (5); Benign (7); Likely benign (9).

Submissions 17 to 25 of 25:

Illumina Laboratory Services, Illumina
Classification: Likely benign for Channelopathy-associated congenital insensitivity to pain, autosomal recessive. Last evaluated: 2018-01-13. Review status: criteria provided, single submitter. Criteria: ICSL Variant Classification Criteria 13 December 2019. Collection method: clinical testing. Allele origin: germline.
Comment: This variant was observed in the ICSL laboratory as part of a predisposition screen in an ostensibly healthy population. It had not been previously curated by ICSL or reported in the Human Gene Mutation Database (HGMD: prior to June 1st, 2018), and was therefore a candidate for classification through an automated scoring system. Utilizing variant allele frequency, disease prevalence and penetrance estimates, and inheritance mode, an automated score was calculated to assess if this variant is too frequent to cause the disease. Based on the score and internal cut-off values, a variant classified as likely benign is not then subjected to further curation. The score for this variant resulted in a classification of likely benign for this disease.

Center for Pediatric Genomic Medicine, Children's Mercy Hospital and Clinics
Classification: Likely benign. Last evaluated: 2016-11-07. Review status: criteria provided, single submitter. Criteria: ACMG Guidelines, 2015. Collection method: clinical testing. Allele origin: germline.
ClinVar note: Converted during submission from Likely Benign to Likely benign.

Eurofins Ntd Llc (ga)
Classification: Likely benign. Last evaluated: 2014-11-11. Review status: criteria provided, single submitter. Criteria: EGL Classification Definitions 2015. Collection method: clinical testing. Allele origin: germline. Observed: 1 variant allele, 1 heterozygote.

Genetic Services Laboratory, University of Chicago
Classification: Likely benign. Last evaluated: 2014-09-10. Review status: criteria provided, single submitter. Criteria: ACMG Guidelines, 2015. Collection method: clinical testing. Allele origin: germline.

PreventionGenetics, part of Exact Sciences
Classification: Likely benign. Review status: criteria provided, single submitter. Criteria: ACMG Guidelines, 2015. Collection method: clinical testing. Allele origin: germline.

Clinical Genetics DNA and cytogenetics Diagnostics Lab, Erasmus MC, Erasmus Medical Center
Classification: Likely benign. Review status: no assertion criteria provided. Collection method: clinical testing. Allele origin: germline. Affected: yes. Study: VKGL Data-share Consensus. Not counted in ClinVar's aggregate classification.

Clinical Genetics, Academic Medical Center
Classification: Benign. Review status: no assertion criteria provided. Collection method: clinical testing. Allele origin: germline. Affected: yes. Study: VKGL Data-share Consensus. Not counted in ClinVar's aggregate classification.

Genome Diagnostics Laboratory, University Medical Center Utrecht
Classification: Likely benign. Review status: no assertion criteria provided. Collection method: clinical testing. Allele origin: germline. Affected: yes. Study: VKGL Data-share Consensus. Not counted in ClinVar's aggregate classification.

Joint Genome Diagnostic Labs from Nijmegen and Maastricht, Radboudumc and MUMC+
Classification: Likely benign. Review status: no assertion criteria provided. Collection method: clinical testing. Allele origin: germline. Affected: yes. Study: VKGL Data-share Consensus. Not counted in ClinVar's aggregate classification.

Literature cited by the submitters: PubMed 32719824 (cited by Athena Diagnostics); PubMed 29934995 (cited by Athena Diagnostics); PubMed 33487118 (cited by Athena Diagnostics); PubMed 37557164 (cited by Athena Diagnostics); PubMed 29911575 (cited by Athena Diagnostics); PubMed 38394191 (cited by Athena Diagnostics); PubMed 37079850 (cited by Athena Diagnostics); PubMed 33087732 (cited by Athena Diagnostics); PubMed 28440294 (cited by Athena Diagnostics); PubMed 23895530 (cited by Athena Diagnostics); PubMed 25250524 (cited by Athena Diagnostics); PubMed 29264398 (cited by Athena Diagnostics); PubMed 28235406 (cited by Athena Diagnostics).